The following is an entry in ClinVar:

ClinVar aggregate classification (germline): Uncertain significance (1 of 4 stars; one submission).

Conditions:
Cole-Carpenter syndrome. Identifiers: Orphanet 2050, MedGen C1862178, MONDO:0016085.

Submission:

Genetics Department, Polish Mother's Memorial Hospital Research Institute
Classification: Uncertain significance for Cole-Carpenter syndrome. Last evaluated: 2020-04-06. Review status: criteria provided, single submitter. Criteria: ACMG Guidelines, 2015. Collection method: research. Allele origin: paternal. Affected: yes. Observed: 3 variant alleles.

NM_000918.4(P4HB):c.1200C>G (p.Cys400Trp)

Gene: P4HB (prolyl 4-hydroxylase subunit beta; minus strand). Cytogenetic location: 17q25.3.
Variant type: single nucleotide variant.
Coding change: c.1200C>G on transcript NM_000918.4 (MANE Select); coding-DNA position 1200, C replaced by G.
Protein change: p.Cys400Trp; replaces cysteine 400 with tryptophan.
Molecular consequence: missense variant.
Genome position (GRCh38, 1-based): chr17:81,845,720, G>C on the plus strand (C>G on the coding strand, the complement: P4HB is on the minus strand). VCF-style: chr17-81845720-G-C. GRCh37 (hg19) VCF-style: chr17-79803596-G-C.
Other names: short protein forms C400W.
Identifiers: ClinVar variation 870116 (VCV000870116.2), dbSNP rs2038725295, ClinGen allele CA401506936.
Genomic context (GRCh38, chr17:81,845,720, plus strand): 5'-GATGTTCTCATGGTCCTTGTACGTCTCTCCCAGTTTATCCCAAATGGGAGCCAACTGTTT[G>C]CAGTGACCACACCATGGGGCATCTGAAAAGAAAGCAGTTCTAGGGTGTGTCCTGGACACA-3'
Protein context (NP_000909.2, residues 390-410): VEFYAPWCGH[Cys400Trp]KQLAPIWDKL